The following is an entry in ClinVar:

ClinVar aggregate classification (germline): Uncertain significance. Review status: criteria provided, multiple submitters, no conflicts (2 of 4 stars). 2 submissions from 2 submitters: Uncertain significance (2). Last evaluated 2026-04-14.

Conditions:
ABCB4-related disorder. Also called: ABCB4-related disorders; ABCB4-related condition.
Familial intrahepatic cholestasis. Identifiers: Orphanet 284385, MedGen CN296401, MONDO:0017290.

Submissions (2):

Genomenon, Inc
Classification: Uncertain significance for Familial intrahepatic cholestasis. Last evaluated: 2026-04-14. Review status: criteria provided, single submitter. Criteria: Genomenon Sequence Variant Interpretation Standards - Updated. Collection method: curation. Allele origin: germline. Affected: yes.
Comment: ABCB4 p.Asn902Asp (c.2704A>G) is a missense variant that changes the amino acid at residue 902 from Asparagine to Aspartic acid. This variant has been observed in at least one proband with an ABCB4-related disorder (PMID:28733223). It is absent or not present at a significant frequency in gnomAD. In silico models predict that this variant is possibly or probably damaging. In conclusion, we classify ABCB4 p.Asn902Asp (c.2704A>G) as a variant of uncertain significance.

PreventionGenetics, part of Exact Sciences
Classification: Uncertain significance for ABCB4-related condition. Last evaluated: 2022-09-08. Review status: criteria provided, single submitter. Criteria: ACMG Guidelines, 2015. Collection method: clinical testing. Allele origin: germline.
Comment: The ABCB4 c.2704A>G variant is predicted to result in the amino acid substitution p.Asn902Asp. This variant was reported in an individual with suspected familial cholestasis (Dröge et al 2017. PubMed ID: 28733223). This variant has not been reported in a large population database, indicating this variant is rare. Although we suspect that this variant may be pathogenic, at this time, the clinical significance of this variant is uncertain due to the absence of conclusive functional and genetic evidence.

Literature cited by the submitters: PubMed 28733223 (cited by Genomenon, Inc).

NM_000443.4(ABCB4):c.2704A>G (p.Asn902Asp)

Gene: ABCB4 (ATP binding cassette subfamily B member 4; minus strand). Cytogenetic location: 7q21.12.
Variant type: single nucleotide variant.
Coding change: c.2704A>G on transcript NM_000443.4 (MANE Select); coding-DNA position 2704, A replaced by G.
Protein change: p.Asn902Asp; replaces asparagine 902 with aspartic acid.
Molecular consequence: missense variant.
Genome position (GRCh38, 1-based): chr7:87,413,696, T>C on the plus strand (A>G on the coding strand, the complement: ABCB4 is on the minus strand). VCF-style: chr7-87413696-T-C. GRCh37 (hg19) VCF-style: chr7-87043012-T-C.
Other names: c.2704A>G, p.Asn902Asp (NM_018849.3, NM_018850.3); short protein forms N902D.
Identifiers: ClinVar variation 2637025 (VCV002637025.2), dbSNP rs2546763879, ClinGen allele CA368060951.